The following is an entry in ClinVar:

ClinVar aggregate classification (germline): Benign. Review status: criteria provided, multiple submitters, no conflicts (2 of 4 stars). 3 submissions from 3 submitters: Benign (2). 1 of the submissions does not count toward it. Last evaluated 2019-12-31.

Conditions:
COQ5-related disorder. Also called: COQ5-related condition.

Allele frequency attached by ClinVar (database versions not stated): gnomAD exomes 0.00293; gnomAD 0.02811; ESP Exome Variant Server 0.03337; TOPMed 0.03347; 1000 Genomes Project 0.03854; 1000 Genomes Project 30x 0.04232.
gnomAD v4.1: 8,940 of 1,606,548 alleles (0.56%); highest among the groups gnomAD compares: African/African-American, 10%; 435 homozygotes.

Submissions (26):

Labcorp Genetics (formerly Invitae), Labcorp
Classification: Benign. Last evaluated: 2019-12-31. Review status: criteria provided, single submitter. Criteria: Invitae Variant Classification Sherloc (09022015). Collection method: clinical testing. Allele origin: germline.

Breakthrough Genomics
Classification: Benign. Review status: criteria provided, single submitter. Criteria: ACMG Guidelines, 2015. Collection method: not provided. Allele origin: germline. Inheritance: Autosomal recessive inheritance. Affected: yes.

PreventionGenetics, part of Exact Sciences
Classification: Benign for COQ5-related condition. Last evaluated: 2019-12-18. Review status: no assertion criteria provided. Collection method: clinical testing. Allele origin: germline. Not counted in ClinVar's aggregate classification.
Comment: This variant is classified as benign based on ACMG/AMP sequence variant interpretation guidelines (Richards et al. 2015 PMID: 25741868, with internal and published modifications).

Dr. Peter K. Rogan Lab, Western University
No classification provided (evidence only). Condition: Lung cancer. Review status: no classification provided. Collection method: in vitro. Allele origin: not applicable. Functional consequence: retained intron. Not counted in ClinVar's aggregate classification.

Dr. Peter K. Rogan Lab, Western University
No classification provided (evidence only). Condition: Lung cancer. Review status: no classification provided. Collection method: in vitro. Allele origin: not applicable. Functional consequence: skipped exon. Not counted in ClinVar's aggregate classification.

Dr. Peter K. Rogan Lab, Western University
No classification provided (evidence only). Condition: Lung cancer. Review status: no classification provided. Collection method: in vitro. Allele origin: not applicable. Functional consequence: skipped exon. Not counted in ClinVar's aggregate classification.

Dr. Peter K. Rogan Lab, Western University
No classification provided (evidence only). Condition: Familial cancer of breast. Review status: no classification provided. Collection method: in vitro. Allele origin: not applicable. Functional consequence: skipped exon, retained intron. Not counted in ClinVar's aggregate classification.

Dr. Peter K. Rogan Lab, Western University
No classification provided (evidence only). Condition: Acute myeloid leukemia. Review status: no classification provided. Collection method: in vitro. Allele origin: not applicable. Functional consequence: retained intron. Not counted in ClinVar's aggregate classification.

Dr. Peter K. Rogan Lab, Western University
No classification provided (evidence only). Condition: Uterine corpus endometrial carcinoma. Review status: no classification provided. Collection method: in vitro. Allele origin: not applicable. Functional consequence: retained intron. Not counted in ClinVar's aggregate classification.

Dr. Peter K. Rogan Lab, Western University
No classification provided (evidence only). Condition: Uterine corpus endometrial carcinoma. Review status: no classification provided. Collection method: in vitro. Allele origin: not applicable. Functional consequence: retained intron. Not counted in ClinVar's aggregate classification.

Dr. Peter K. Rogan Lab, Western University
No classification provided (evidence only). Condition: Uterine corpus endometrial carcinoma. Review status: no classification provided. Collection method: in vitro. Allele origin: not applicable. Functional consequence: skipped exon. Not counted in ClinVar's aggregate classification.

Dr. Peter K. Rogan Lab, Western University
No classification provided (evidence only). Condition: Uterine corpus endometrial carcinoma. Review status: no classification provided. Collection method: in vitro. Allele origin: not applicable. Functional consequence: skipped exon. Not counted in ClinVar's aggregate classification.

Dr. Peter K. Rogan Lab, Western University
No classification provided (evidence only). Condition: Uterine corpus endometrial carcinoma. Review status: no classification provided. Collection method: in vitro. Allele origin: not applicable. Functional consequence: skipped exon. Not counted in ClinVar's aggregate classification.

Dr. Peter K. Rogan Lab, Western University
No classification provided (evidence only). Condition: Uterine corpus endometrial carcinoma. Review status: no classification provided. Collection method: in vitro. Allele origin: not applicable. Functional consequence: skipped exon. Not counted in ClinVar's aggregate classification.

Dr. Peter K. Rogan Lab, Western University
No classification provided (evidence only). Condition: Uterine corpus endometrial carcinoma. Review status: no classification provided. Collection method: in vitro. Allele origin: not applicable. Functional consequence: skipped exon. Not counted in ClinVar's aggregate classification.

Dr. Peter K. Rogan Lab, Western University
No classification provided (evidence only). Condition: Uterine corpus endometrial carcinoma. Review status: no classification provided. Collection method: in vitro. Allele origin: not applicable. Functional consequence: skipped exon. Not counted in ClinVar's aggregate classification.

Dr. Peter K. Rogan Lab, Western University
No classification provided (evidence only). Condition: Uterine corpus endometrial carcinoma. Review status: no classification provided. Collection method: in vitro. Allele origin: not applicable. Functional consequence: skipped exon. Not counted in ClinVar's aggregate classification.

Dr. Peter K. Rogan Lab, Western University
No classification provided (evidence only). Condition: Uterine corpus endometrial carcinoma. Review status: no classification provided. Collection method: in vitro. Allele origin: not applicable. Functional consequence: skipped exon. Not counted in ClinVar's aggregate classification.

Dr. Peter K. Rogan Lab, Western University
No classification provided (evidence only). Condition: Cervical cancer. Review status: no classification provided. Collection method: in vitro. Allele origin: not applicable. Functional consequence: skipped exon. Not counted in ClinVar's aggregate classification.

Dr. Peter K. Rogan Lab, Western University
No classification provided (evidence only). Condition: Cervical cancer. Review status: no classification provided. Collection method: in vitro. Allele origin: not applicable. Functional consequence: skipped exon. Not counted in ClinVar's aggregate classification.

Dr. Peter K. Rogan Lab, Western University
No classification provided (evidence only). Condition: Cervical cancer. Review status: no classification provided. Collection method: in vitro. Allele origin: not applicable. Functional consequence: skipped exon, retained intron. Not counted in ClinVar's aggregate classification.

Dr. Peter K. Rogan Lab, Western University
No classification provided (evidence only). Condition: Sarcoma. Review status: no classification provided. Collection method: in vitro. Allele origin: not applicable. Functional consequence: retained intron. Not counted in ClinVar's aggregate classification.

Dr. Peter K. Rogan Lab, Western University
No classification provided (evidence only). Condition: Thymoma. Review status: no classification provided. Collection method: in vitro. Allele origin: not applicable. Functional consequence: skipped exon. Not counted in ClinVar's aggregate classification.

Dr. Peter K. Rogan Lab, Western University
No classification provided (evidence only). Condition: Ovarian serous cystadenocarcinoma. Review status: no classification provided. Collection method: in vitro. Allele origin: not applicable. Functional consequence: retained intron. Not counted in ClinVar's aggregate classification.

Dr. Peter K. Rogan Lab, Western University
No classification provided (evidence only). Condition: Gastric cancer. Review status: no classification provided. Collection method: in vitro. Allele origin: not applicable. Functional consequence: retained intron. Not counted in ClinVar's aggregate classification.

Dr. Peter K. Rogan Lab, Western University
No classification provided (evidence only). Condition: Malignant tumor of esophagus. Review status: no classification provided. Collection method: in vitro. Allele origin: not applicable. Functional consequence: skipped exon. Not counted in ClinVar's aggregate classification.

NM_032314.4(COQ5):c.575-7C>G

Gene: COQ5 (coenzyme Q5, methyltransferase; minus strand). Cytogenetic location: 12q24.31.
Variant type: single nucleotide variant.
Coding change: c.575-7C>G on transcript NM_032314.4 (MANE Select); 7 bases into the intron before coding-DNA position 575, C replaced by G.
Molecular consequence: intron variant.
Genome position (GRCh38, 1-based): chr12:120,510,130, G>C on the plus strand (C>G on the coding strand, the complement: COQ5 is on the minus strand). VCF-style: chr12-120510130-G-C. GRCh37 (hg19) VCF-style: chr12-120947933-G-C.
Other names: NC_000012.11:g.120947933G>C.
Identifiers: ClinVar variation 768593 (VCV000768593.8), dbSNP rs74578594, ClinGen allele CA6828775.
Genomic context (GRCh38, chr12:120,510,130, plus strand): 5'-ACTTGTCATCATCAAAGGGCAGTTCTTCAGCATCTCCTAATACCCATGCAAGTCCTGAAA[G>C]AGAAAGTGAGTTCCGGGTCTCAGTGTGGGTAGCTGTTTTTCCTGCCCCCAGTGAATTCAT-3'